The following is an entry in ClinVar:

NM_006941.4(SOX10):c.178G>A (p.Asp60Asn)

Genes: POLR2F (RNA polymerase II, I and III subunit F; plus strand), SOX10 (SRY-box transcription factor 10; minus strand). Cytogenetic location: 22q13.1.
Variant type: single nucleotide variant.
Coding change: c.178G>A on transcript NM_006941.4 (MANE Select); coding-DNA position 178, G replaced by A.
Protein change: p.Asp60Asn; replaces aspartic acid 60 with asparagine.
Molecular consequence: missense variant. On other transcripts: intron variant (3).
Genome position (GRCh38, 1-based): chr22:37,983,607, C>T on the plus strand (G>A on the coding strand, the complement: SOX10 is on the minus strand). VCF-style: chr22-37983607-C-T. GRCh37 (hg19) VCF-style: chr22-38379614-C-T.
Other names: c.*38+11297C>T (NM_001363825.1); c.294-2547C>T (NM_001301130.2); c.293+16437C>T (NM_001301131.2); short protein forms D60N.
Identifiers: ClinVar variation 1312138 (VCV001312138.9), dbSNP rs1439127307, ClinGen allele CA411501749.

ClinVar aggregate classification (germline): Conflicting classifications of pathogenicity. Review status: criteria provided, conflicting classifications (1 of 4 stars). 2 submissions from 2 submitters: Uncertain significance (1); Likely benign (1). Last evaluated 2026-01-05.

Allele frequency attached by ClinVar (database versions not stated): gnomAD 0.00001; gnomAD exomes 0.00001; TOPMed 0.00001.
gnomAD v4.1: 8 of 1,607,418 alleles (0.0005%); highest among the groups gnomAD compares: Admixed American, 0.0017%; no homozygotes.

Submissions (2):

Labcorp Genetics (formerly Invitae), Labcorp
Classification: Likely benign. Last evaluated: 2026-01-05. Review status: criteria provided, single submitter. Criteria: Invitae Variant Classification Sherloc (09022015). Collection method: clinical testing. Allele origin: germline.

GeneDx
Classification: Uncertain significance. Last evaluated: 2023-03-02. Review status: criteria provided, single submitter. Criteria: GeneDx Variant Classification Process June 2021. Collection method: clinical testing. Allele origin: germline. Affected: yes.
Comment: In silico analysis supports that this missense variant does not alter protein structure/function; Has not been previously published as pathogenic or benign to our knowledge